The following is an entry in ClinVar:

ClinVar aggregate classification (germline): Likely benign. Review status: criteria provided, multiple submitters, no conflicts (2 of 4 stars). 2 submissions from 2 submitters: Likely benign (2). Last evaluated 2018-06-16.

Allele frequency attached by ClinVar (database versions not stated): 1000 Genomes Project 0.00479; 1000 Genomes Project 30x 0.00609; gnomAD 0.01048 and 0.01130; TOPMed 0.01065; gnomAD exomes 0.01474.
gnomAD v4.1: 21,494 of 1,507,820 alleles (1.4%); highest among the groups gnomAD compares: Non-Finnish European, 1.7%; 193 homozygotes.

Submissions (2):

GeneDx
Classification: Likely benign. Last evaluated: 2018-06-16. Review status: criteria provided, single submitter. Criteria: GeneDx Variant Classification (06012015). Collection method: clinical testing. Allele origin: germline. Affected: yes.
Comment: This variant is considered likely benign or benign based on one or more of the following criteria: it is a conservative change, it occurs at a poorly conserved position in the protein, it is predicted to be benign by multiple in silico algorithms, and/or has population frequency not consistent with disease.

Breakthrough Genomics
Classification: Likely benign. Review status: criteria provided, single submitter. Criteria: ACMG Guidelines, 2015. Collection method: not provided. Allele origin: germline. Inheritance: Autosomal recessive inheritance. Affected: yes.

NM_002693.3(POLG):c.2426+75A>C

Gene: POLG (DNA polymerase gamma, catalytic subunit; minus strand). Cytogenetic location: 15q26.1.
Variant type: single nucleotide variant.
Coding change: c.2426+75A>C on transcript NM_002693.3 (MANE Select); 75 bases into the intron after coding-DNA position 2426, A replaced by C.
Molecular consequence: intron variant.
Genome position (GRCh38, 1-based): chr15:89,322,667, T>G on the plus strand (A>C on the coding strand, the complement: POLG is on the minus strand). VCF-style: chr15-89322667-T-G. GRCh37 (hg19) VCF-style: chr15-89865898-T-G.
Other names: c.2426+75A>C (NM_001126131.2).
Identifiers: ClinVar variation 673414 (VCV000673414.2), dbSNP rs2307428, ClinGen allele CA274548428.